The following is an entry in ClinVar:

ClinVar aggregate classification (germline): Uncertain significance (1 of 4 stars; one submission).

Conditions:
POLD1-related polyposis and colorectal cancer syndrome (CRCS10). Also called: Colorectal cancer 10; COLORECTAL CANCER, SUSCEPTIBILITY TO, ON CHROMOSOME 19q; Colorectal cancer, susceptibility to, 10. Identifiers: Orphanet 220460, MedGen C2675481, MONDO:0012953, OMIM 612591.

Submission:

Labcorp Genetics (formerly Invitae), Labcorp
Classification: Uncertain significance for POLD1-related polyposis and colorectal cancer syndrome. Last evaluated: 2024-04-17. Review status: criteria provided, single submitter. Criteria: Invitae Variant Classification Sherloc (09022015). Collection method: clinical testing. Allele origin: germline.
Comment: This sequence change replaces serine, which is neutral and polar, with alanine, which is neutral and non-polar, at codon 73 of the POLD1 protein (p.Ser73Ala). This variant is not present in population databases (gnomAD no frequency). This variant has not been reported in the literature in individuals affected with POLD1-related conditions. Advanced modeling of protein sequence and biophysical properties (such as structural, functional, and spatial information, amino acid conservation, physicochemical variation, residue mobility, and thermodynamic stability) performed at Invitae indicates that this missense variant is not expected to disrupt POLD1 protein function with a negative predictive value of 80%. In summary, the available evidence is currently insufficient to determine the role of this variant in disease. Therefore, it has been classified as a Variant of Uncertain Significance.

NM_002691.4(POLD1):c.217T>G (p.Ser73Ala)

Gene: POLD1 (DNA polymerase delta 1, catalytic subunit; plus strand). Cytogenetic location: 19q13.33.
Variant type: single nucleotide variant.
Coding change: c.217T>G on transcript NM_002691.4 (MANE Select); coding-DNA position 217, T replaced by G.
Protein change: p.Ser73Ala; replaces serine 73 with alanine.
Molecular consequence: missense variant. On other transcripts: non-coding transcript variant (1).
Genome position (GRCh38, 1-based): chr19:50,399,385, T>G. VCF-style: chr19-50399385-T-G. GRCh37 (hg19) VCF-style: chr19-50902642-T-G.
Other names: c.217T>G, p.Ser73Ala (NM_001256849.1, NM_001308632.1); short protein forms S73A.
Identifiers: ClinVar variation 3650181 (VCV003650181.2).